The following is an entry in ClinVar:

ClinVar aggregate classification (germline): Uncertain significance (1 of 4 stars; one submission).

Conditions:
Hereditary cancer-predisposing syndrome. Also called: Tumor predisposition; Neoplastic Syndromes, Hereditary; Hereditary neoplastic syndrome; Hereditary Cancer Syndrome. Identifiers: Orphanet 140162, MedGen C0027672, MeSH D009386, MONDO:0015356.

Submission:

Ambry Genetics
Classification: Uncertain significance for Hereditary cancer-predisposing syndrome. Last evaluated: 2025-08-27. Review status: criteria provided, single submitter. Criteria: Ambry Variant Classification Scheme 2023. Collection method: clinical testing. Allele origin: germline.
Comment: The p.K418R variant (also known as c.1253A>G), located in coding exon 13 of the MUTYH gene, results from an A to G substitution at nucleotide position 1253. The lysine at codon 418 is replaced by arginine, an amino acid with highly similar properties. This amino acid position is conserved. In addition, this alteration is predicted to be tolerated by in silico analysis. Based on the available evidence, the clinical significance of this variant remains unclear.

NM_001048174.2(MUTYH):c.1169A>G (p.Lys390Arg)

Gene: MUTYH (mutY DNA glycosylase; minus strand). Cytogenetic location: 1p34.1.
Variant type: single nucleotide variant.
Coding change: c.1169A>G on transcript NM_001048174.2 (MANE Select); coding-DNA position 1169, A replaced by G.
Protein change: p.Lys390Arg; replaces lysine 390 with arginine.
Molecular consequence: missense variant. On other transcripts: non-coding transcript variant (7).
Genome position (GRCh38, 1-based): chr1:45,331,490, T>C on the plus strand (A>G on the coding strand, the complement: MUTYH is on the minus strand). VCF-style: chr1-45331490-T-C. GRCh37 (hg19) VCF-style: chr1-45797162-T-C.
Other names: c.1172A>G, p.Lys391Arg (NM_001407086.1, NM_001407078.1, NM_001048172.2 and 1 more transcripts); c.1190A>G, p.Lys397Arg (NM_001407087.1); c.1169A>G, p.Lys390Arg (NM_001407088.1, NM_001407089.1, NM_001407081.1 and 6 more transcripts); c.893A>G, p.Lys298Arg (NM_001407091.1, NM_001293192.2, NM_001293196.2); c.1244A>G, p.Lys415Arg (NM_012222.3); c.1130A>G, p.Lys377Arg (NM_001407079.1); c.1127A>G, p.Lys376Arg (NM_001407080.1); c.824A>G, p.Lys275Arg (NM_001407082.1, NM_001350650.2, NM_001350651.2); and 5 more; short protein forms K298R, K376R, K397R, K418R, K362R, K391R, K404R, K275R.
Identifiers: ClinVar variation 4113133 (VCV004113133.1).